The following is an entry in ClinVar:

ClinVar aggregate classification (germline): Likely benign. Review status: criteria provided, multiple submitters, no conflicts (2 of 4 stars). 3 submissions from 3 submitters: Likely benign (3). Last evaluated 2025-12-24.

Conditions:
PEX5-related disorder. Also called: PEX5-Related Disorders; PEX5-related condition.
Peroxisome biogenesis disorder 2B (PBD2B). Identifiers: Orphanet 44, MedGen C3550234, MONDO:0008736, OMIM 202370.

Allele frequency attached by ClinVar (database versions not stated): ExAC 0.00002; gnomAD 0.00002; gnomAD exomes 0.00002; TOPMed 0.00002.
gnomAD v4.1: 40 of 1,614,034 alleles (0.0025%); highest among the groups gnomAD compares: Non-Finnish European, 0.0033%; no homozygotes.

Submissions (3):

Labcorp Genetics (formerly Invitae), Labcorp
Classification: Likely benign for Peroxisome biogenesis disorder 2B. Last evaluated: 2025-12-24. Review status: criteria provided, single submitter. Criteria: Invitae Variant Classification Sherloc (09022015). Collection method: clinical testing. Allele origin: germline.

PreventionGenetics, part of Exact Sciences
Classification: Likely benign for PEX5-related condition. Last evaluated: 2025-10-24. Review status: criteria provided, single submitter. Criteria: ACMG Guidelines, 2015. Collection method: clinical testing. Allele origin: germline.
Comment: This variant is classified as likely benign based on ACMG/AMP sequence variant interpretation guidelines (Richards et al. 2015 PMID: 25741868, with internal and published modifications).

Blueprint Genetics
Classification: Likely benign. Last evaluated: 2023-05-04. Review status: criteria provided, single submitter. Criteria: ACMG Guidelines, 2015. Collection method: clinical testing. Allele origin: germline.

NM_001351132.2(PEX5):c.1080A>T (p.Ala360=)

Gene: PEX5 (peroxisomal biogenesis factor 5; plus strand). Cytogenetic location: 12p13.31.
Variant type: single nucleotide variant.
Coding change: c.1080A>T on transcript NM_001351132.2 (MANE Select); coding-DNA position 1080, A replaced by T.
Protein change: p.Ala360=; no amino-acid change (alanine 360 retained).
Molecular consequence: synonymous variant.
Genome position (GRCh38, 1-based): chr12:7,207,772, A>T. VCF-style: chr12-7207772-A-T. GRCh37 (hg19) VCF-style: chr12-7360368-A-T.
Other names: c.1080A>T (NM_001131025.1); c.1056A>T, p.Ala352= (NM_000319.5); c.1125A>T, p.Ala375= (NM_001131023.2); c.969A>T, p.Ala323= (NM_001131024.2, NM_001351124.3, NM_001351126.2 and 7 more transcripts); c.1080A>T, p.Ala360= (NM_001131025.2, NM_001131026.2, NM_001300789.3 and 4 more transcripts); c.1014A>T, p.Ala338= (NM_001351135.3, NM_001351138.2); c.1071A>T, p.Ala357= (NM_001351136.2); c.945A>T, p.Ala315= (NM_001351139.2, NM_001351140.2, NM_001374649.2).
Identifiers: ClinVar variation 1079609 (VCV001079609.11), dbSNP rs776221090, ClinGen allele CA6426353.